The following is an entry in ClinVar:

NM_004035.7(ACOX1):c.609T>C (p.His203=)

Gene: ACOX1 (acyl-CoA oxidase 1; minus strand). Cytogenetic location: 17q25.1.
Variant type: single nucleotide variant.
Coding change: c.609T>C on transcript NM_004035.7 (MANE Select); coding-DNA position 609, T replaced by C.
Protein change: p.His203=; no amino-acid change (histidine 203 retained).
Molecular consequence: synonymous variant.
Genome position (GRCh38, 1-based): chr17:75,955,877, A>G on the plus strand (T>C on the coding strand, the complement: ACOX1 is on the minus strand). VCF-style: chr17-75955877-A-G. GRCh37 (hg19) VCF-style: chr17-73951958-A-G.
Other names: c.495T>C, p.His165= (NM_001185039.2); c.609T>C, p.His203= (NM_007292.6); c.609T>C (NM_004035.6).
Identifiers: ClinVar variation 1623946 (VCV001623946.9), dbSNP rs373206585, ClinGen allele CA8776977.

ClinVar aggregate classification (germline): Likely benign. Review status: criteria provided, multiple submitters, no conflicts (2 of 4 stars). 2 submissions from 2 submitters: Likely benign (2). Last evaluated 2026-08-28.

Conditions:
ACOX1-related disorder. Also called: ACOX1-related disorders; ACOX1-related condition.
Acyl-CoA oxidase deficiency. Also called: STRAIGHT-CHAIN ACYL-CoA OXIDASE DEFICIENCY; Pseudoneonatal adrenoleukodystrophy; Peroxisomal acyl-CoA oxidase deficiency. Identifiers: Orphanet 2971, MedGen C1849678, MONDO:0009919, OMIM 264470. Disease mechanism: loss of function.

Allele frequency attached by ClinVar (database versions not stated): gnomAD 0.00001; gnomAD exomes 0.00001; TOPMed 0.00001; ExAC 0.00002; ESP Exome Variant Server 0.00008.
gnomAD v4.1: 15 of 1,613,936 alleles (0.00093%); highest among the groups gnomAD compares: Non-Finnish European, 0.0013%; no homozygotes.

Submissions (2):

PreventionGenetics, part of Exact Sciences
Classification: Likely benign for ACOX1-related condition. Last evaluated: 2026-08-28. Review status: criteria provided, single submitter. Criteria: ACMG Guidelines, 2015. Collection method: clinical testing. Allele origin: germline.
Comment: This variant is classified as likely benign based on ACMG/AMP sequence variant interpretation guidelines (Richards et al. 2015 PMID: 25741868, with internal and published modifications).

Labcorp Genetics (formerly Invitae), Labcorp
Classification: Likely benign for Acyl-CoA oxidase deficiency. Last evaluated: 2023-10-30. Review status: criteria provided, single submitter. Criteria: Invitae Variant Classification Sherloc (09022015). Collection method: clinical testing. Allele origin: germline.